The following is an entry in ClinVar:

ClinVar aggregate classification (germline): Benign/Likely benign. Review status: criteria provided, multiple submitters, no conflicts (2 of 4 stars). 3 submissions from 3 submitters: Benign (1); Likely benign (2). Last evaluated 2025-11-09.

Conditions:
Hereditary cancer-predisposing syndrome. Also called: Tumor predisposition; Hereditary neoplastic syndrome; Neoplastic Syndromes, Hereditary; Hereditary Cancer Syndrome. Identifiers: Orphanet 140162, MedGen C0027672, MeSH D009386, MONDO:0015356.
Oligodontia-cancer predisposition syndrome. Also called: TOOTH AGENESIS-COLORECTAL CANCER SYNDROME. Identifiers: Orphanet 300576, MedGen C1837750, MONDO:0012075, OMIM 608615. Disease mechanism: loss of function.

Allele frequency attached by ClinVar (database versions not stated): gnomAD 0.00001; TOPMed 0.00001.
gnomAD v4.1: 1 of 1,588,286 alleles (0.000063%); highest among the groups gnomAD compares: African/African-American, 0.0013%; no homozygotes.

Submissions (3):

Labcorp Genetics (formerly Invitae), Labcorp
Classification: Likely benign for Oligodontia-cancer predisposition syndrome. Last evaluated: 2025-11-09. Review status: criteria provided, single submitter. Criteria: Invitae Variant Classification Sherloc (09022015). Collection method: clinical testing. Allele origin: germline.

Myriad Genetics, Inc.
Classification: Benign for Oligodontia-cancer predisposition syndrome. Last evaluated: 2024-07-02. Review status: criteria provided, single submitter. Criteria: Myriad Autosomal Dominant, Autosomal Recessive and X-Linked Classification Criteria (2023). Collection method: clinical testing. Allele origin: unknown.
Comment: This variant is considered benign. This variant is a silent/synonymous amino acid change and it is not expected to impact splicing.

Ambry Genetics
Classification: Likely benign for Hereditary cancer-predisposing syndrome. Last evaluated: 2021-02-17. Review status: criteria provided, single submitter. Criteria: Ambry Variant Classification Scheme 2023. Collection method: clinical testing. Allele origin: germline.

NM_004655.4(AXIN2):c.1248G>T (p.Gly416=)

Gene: AXIN2 (axin 2; minus strand). Cytogenetic location: 17q24.1.
Variant type: single nucleotide variant.
Coding change: c.1248G>T on transcript NM_004655.4 (MANE Select); coding-DNA position 1248, G replaced by T.
Protein change: p.Gly416=; no amino-acid change (glycine 416 retained).
Molecular consequence: synonymous variant.
Genome position (GRCh38, 1-based): chr17:65,537,788, C>A on the plus strand (G>T on the coding strand, the complement: AXIN2 is on the minus strand). VCF-style: chr17-65537788-C-A. GRCh37 (hg19) VCF-style: chr17-63533906-C-A.
Other names: c.1248G>T, p.Gly416= (NM_001363813.1).
Identifiers: ClinVar variation 847569 (VCV000847569.14), dbSNP rs1250361702, ClinGen allele CA501691357.